The following is an entry in ClinVar:

NM_198428.3(BBS9):c.1649T>C (p.Ile550Thr)

Gene: BBS9 (Bardet-Biedl syndrome 9; plus strand). Cytogenetic location: 7p14.3.
Variant type: single nucleotide variant.
Coding change: c.1649T>C on transcript NM_198428.3 (MANE Select); coding-DNA position 1649, T replaced by C.
Protein change: p.Ile550Thr; replaces isoleucine 550 with threonine.
Molecular consequence: missense variant. On other transcripts: non-coding transcript variant (3).
Genome position (GRCh38, 1-based): chr7:33,357,951, T>C. VCF-style: chr7-33357951-T-C. GRCh37 (hg19) VCF-style: chr7-33397563-T-C.
Other names: c.1544T>C, p.Ile515Thr (NM_001033604.2); c.1634T>C, p.Ile545Thr (NM_001033605.2); c.1649T>C, p.Ile550Thr (NM_001348036.1, NM_001348041.4, NM_001348043.3 and 1 more transcripts); c.1283T>C, p.Ile428Thr (NM_001348037.3, NM_001348045.3, NM_001348046.3); c.1376T>C, p.Ile459Thr (NM_001348038.3); c.1271T>C, p.Ile424Thr (NM_001348039.3); c.1529T>C, p.Ile510Thr (NM_001348040.3, NM_014451.4); c.1514T>C, p.Ile505Thr (NM_001348042.3); and 1 more; short protein forms I459T, I510T, I505T, I545T, I550T, I424T, I428T, I515T.
Identifiers: ClinVar variation 4993569 (VCV004993569.1).
Genomic context (GRCh38, chr7:33,357,951, plus strand): 5'-CCCTAAAGTTAATTTGCCTACCAGGTCAGCCTTCAAAAACTGCAAGCCACAAAATTACTA[T>C]TGATACCAACAAATCTCCAGTCAGTCTTCTTAGTCTCTTCCCAGGTAAGACTGTTGAAAT-3'
Protein context (NP_940820.1, residues 540-560): PSKTASHKIT[Ile550Thr]DTNKSPVSLL

ClinVar aggregate classification (germline): Uncertain significance (1 of 4 stars; one submission).

Conditions:
BBS9-related disorder. Also called: BBS9-related condition.

Submission:

PreventionGenetics, part of Exact Sciences
Classification: Uncertain significance for BBS9-related condition. Last evaluated: 2025-10-30. Review status: criteria provided, single submitter. Criteria: ACMG Guidelines, 2015. Collection method: clinical testing. Allele origin: germline.
Comment: The BBS9 c.1649T>C variant is predicted to result in the amino acid substitution p.Ile550Thr. To our knowledge, this variant has not been reported in the literature or in a large population database (gnomAD), indicating this variant is rare. At this time, the clinical significance of this variant is uncertain due to the absence of conclusive functional and genetic evidence.